The following is an entry in ClinVar:

NM_025179.4(PLXNA2):c.4365G>A (p.Gly1455=)

Gene: PLXNA2 (plexin A2; minus strand). Cytogenetic location: 1q32.2.
Variant type: single nucleotide variant.
Coding change: c.4365G>A on transcript NM_025179.4 (MANE Select); coding-DNA position 4365, G replaced by A.
Protein change: p.Gly1455=; no amino-acid change (glycine 1455 retained).
Molecular consequence: synonymous variant.
Genome position (GRCh38, 1-based): chr1:208,039,756, C>T on the plus strand (G>A on the coding strand, the complement: PLXNA2 is on the minus strand). VCF-style: chr1-208039756-C-T. GRCh37 (hg19) VCF-style: chr1-208213101-C-T.
Identifiers: ClinVar variation 3356802 (VCV003356802.1).

ClinVar aggregate classification (germline): Likely benign (0 of 4 stars; one submission).

Conditions:
PLXNA2-related disorder. Also called: PLXNA2-related condition.

Submission:

PreventionGenetics, part of Exact Sciences
Classification: Likely benign for PLXNA2-related condition. Last evaluated: 2023-04-19. Review status: no assertion criteria provided. Collection method: clinical testing. Allele origin: germline.
Comment: This variant is classified as likely benign based on ACMG/AMP sequence variant interpretation guidelines (Richards et al. 2015 PMID: 25741868, with internal and published modifications).